The following is an entry in ClinVar:

NM_001267550.2(TTN):c.52592T>C (p.Val17531Ala)

Genes: TTN (titin; minus strand), TTN-AS1 (TTN antisense RNA 1; plus strand), LOC126806425 (BRD4-independent group 4 enhancer GRCh37_chr2:179471933-179473132; plus strand). Cytogenetic location: 2q31.2.
Variant type: single nucleotide variant.
Coding change: c.52592T>C on transcript NM_001267550.2 (MANE Select); coding-DNA position 52592, T replaced by C.
Protein change: p.Val17531Ala; replaces valine 17531 with alanine.
Molecular consequence: missense variant.
Genome position (GRCh38, 1-based): chr2:178,608,291, A>G on the plus strand (T>C on the coding strand, the complement: TTN is on the minus strand). VCF-style: chr2-178608291-A-G. GRCh37 (hg19) VCF-style: chr2-179473018-A-G.
Other names: c.47669T>C, p.Val15890Ala (NM_001256850.1); c.25397T>C, p.Val8466Ala (NM_003319.4); c.44888T>C, p.Val14963Ala (NM_133378.4); c.25772T>C, p.Val8591Ala (NM_133432.3); c.25973T>C, p.Val8658Ala (NM_133437.4); short protein forms V14963A, V15890A, V17531A, V8466A, V8591A, V8658A.
Identifiers: ClinVar variation 1328196 (VCV001328196.6), dbSNP rs764524150, ClinGen allele CA1993967.
Genomic context (GRCh38, chr2:178,608,291, plus strand): 5'-CCAGCTGCATTTTCAGCACATACTCTGAAGACATAGGTGAGTCCTTCTAATAAGCCATCT[A>G]CATTGGCTTTCAAGGCATTCAGAAGGCTTTTGTTGACACGAGACCAATGTGTACTGTTAA-3'
Protein context (NP_001254479.2, residues 17521-17541): KSLLNALKAN[Val17531Ala]DGLLEGLTYV

ClinVar aggregate classification (germline): Uncertain significance. Review status: criteria provided, multiple submitters, no conflicts (2 of 4 stars). 4 submissions from 4 submitters: Uncertain significance (2). 2 of the submissions do not count toward it. Last evaluated 2026-07-10.

Conditions:
TTN-related disorder. Also called: TTN-related disorders; TTN-related condition; TTN-related disease.

Allele frequency attached by ClinVar (database versions not stated): gnomAD exomes below 0.00001 and 0.00001; TOPMed below 0.00001; ExAC 0.00001; gnomAD 0.00001.
gnomAD v4.1: 6 of 1,612,144 alleles (0.00037%); highest among the groups gnomAD compares: Non-Finnish European, 0.00042%; no homozygotes.

Submissions (4):

PreventionGenetics, part of Exact Sciences
Classification: Uncertain significance for TTN-related condition. Last evaluated: 2026-07-10. Review status: criteria provided, single submitter. Criteria: ACMG Guidelines, 2015. Collection method: clinical testing. Allele origin: germline.
Comment: The TTN c.52592T>C variant is predicted to result in the amino acid substitution p.Val17531Ala. To our knowledge, this variant has not been reported in the literature. This variant is reported in 0.0018% of alleles in individuals of European (Non-Finnish) descent in gnomAD. At this time, the clinical significance of this variant is uncertain due to the absence of conclusive functional and genetic evidence.

Revvity Omics, Revvity
Classification: Uncertain significance. Last evaluated: 2020-07-08. Review status: criteria provided, single submitter. Criteria: ACMG Guidelines, 2015. Collection method: clinical testing. Allele origin: germline.

Clinical Genetics DNA and cytogenetics Diagnostics Lab, Erasmus MC, Erasmus Medical Center
Classification: Uncertain significance. Review status: no assertion criteria provided. Collection method: clinical testing. Allele origin: germline. Affected: yes. Study: VKGL Data-share Consensus. Not counted in ClinVar's aggregate classification.

Diagnostic Laboratory, Department of Genetics, University Medical Center Groningen
Classification: Uncertain significance. Review status: no assertion criteria provided. Collection method: clinical testing. Allele origin: germline. Affected: yes. Study: VKGL Data-share Consensus. Not counted in ClinVar's aggregate classification.